The following is an entry in ClinVar:

ClinVar aggregate classification (germline): Uncertain significance (1 of 4 stars; one submission).

Conditions:
Developmental and epileptic encephalopathy, 12 (DEE12). Identifiers: MedGen C3150988, MONDO:0013389, OMIM 613722.

Allele frequency attached by ClinVar (database versions not stated): ExAC 0.00001; gnomAD 0.00001.
gnomAD v4.1: 3 of 1,601,512 alleles (0.00019%); highest among the groups gnomAD compares: Admixed American, 0.0017%; no homozygotes.

Submission:

Labcorp Genetics (formerly Invitae), Labcorp
Classification: Uncertain significance for Developmental and epileptic encephalopathy, 12. Last evaluated: 2021-08-31. Review status: criteria provided, single submitter. Criteria: Invitae Variant Classification Sherloc (09022015). Collection method: clinical testing. Allele origin: germline.
Comment: This sequence change falls in intron 30 of the PLCB1 gene. It does not directly change the encoded amino acid sequence of the PLCB1 protein. It affects a nucleotide within the consensus splice site of the intron. This variant is present in population databases (rs778662535, ExAC 0.01%). This variant has not been reported in the literature in individuals affected with PLCB1-related conditions. ClinVar contains an entry for this variant (Variation ID: 410073). Variants that disrupt the consensus splice site are a relatively common cause of aberrant splicing (PMID: 17576681, 9536098). Algorithms developed to predict the effect of sequence changes on RNA splicing suggest that this variant is not likely to affect RNA splicing. In summary, the available evidence is currently insufficient to determine the role of this variant in disease. Therefore, it has been classified as a Variant of Uncertain Significance.

Literature cited by the submitters: PubMed 17576681; PubMed 9536098.

NM_015192.4(PLCB1):c.3337-3T>C

Gene: PLCB1 (phospholipase C beta 1; plus strand). Cytogenetic location: 20p12.3.
Variant type: single nucleotide variant.
Coding change: c.3337-3T>C on transcript NM_015192.4 (MANE Select); 3 bases into the intron before coding-DNA position 3337, T replaced by C.
Molecular consequence: intron variant.
Genome position (GRCh38, 1-based): chr20:8,790,172, T>C. VCF-style: chr20-8790172-T-C. GRCh37 (hg19) VCF-style: chr20-8770819-T-C.
Other names: c.3337-3T>C (NM_182734.3).
Identifiers: ClinVar variation 410073 (VCV000410073.6), dbSNP rs778662535, ClinGen allele CA9760535.